The following is an entry in ClinVar:

ClinVar aggregate classification (germline): Uncertain significance (1 of 4 stars; one submission).

Conditions:
Sclerosteosis 2 (SOST2). Identifiers: Orphanet 3152, MedGen C3280402, MONDO:0013679, OMIM 614305.
Cenani-Lenz syndactyly syndrome. Also called: CENANI SYNDACTYLISM; SYNDACTYLY, TYPE VII. Identifiers: Orphanet 3258, MedGen C1859309, MONDO:0008931, OMIM 212780.
Congenital myasthenic syndrome 17. Identifiers: Orphanet 590, MedGen C4225377, MONDO:0014578, OMIM 616304.

Allele frequency attached by ClinVar (database versions not stated): TOPMed below 0.00001; ExAC 0.00001; gnomAD 0.00001; gnomAD exomes 0.00002.
gnomAD v4.1: 7 of 1,614,066 alleles (0.00043%); highest among the groups gnomAD compares: South Asian, 0.0077%; no homozygotes.

Submission:

Labcorp Genetics (formerly Invitae), Labcorp
Classification: Uncertain significance for Cenani-Lenz syndactyly syndrome; Sclerosteosis 2; Congenital myasthenic syndrome 17. Last evaluated: 2023-07-17. Review status: criteria provided, single submitter. Criteria: Invitae Variant Classification Sherloc (09022015). Collection method: clinical testing. Allele origin: germline.
Comment: In summary, the available evidence is currently insufficient to determine the role of this variant in disease. Therefore, it has been classified as a Variant of Uncertain Significance. Advanced modeling of protein sequence and biophysical properties (such as structural, functional, and spatial information, amino acid conservation, physicochemical variation, residue mobility, and thermodynamic stability) performed at Invitae indicates that this missense variant is not expected to disrupt LRP4 protein function. ClinVar contains an entry for this variant (Variation ID: 659389). This variant has not been reported in the literature in individuals affected with LRP4-related conditions. This variant is present in population databases (rs749482785, gnomAD 0.01%). This sequence change replaces aspartic acid, which is acidic and polar, with glycine, which is neutral and non-polar, at codon 1890 of the LRP4 protein (p.Asp1890Gly).

NM_002334.4(LRP4):c.5669A>G (p.Asp1890Gly)

Genes: LRP4 (LDL receptor related protein 4; minus strand), LRP4-AS1 (LRP4 antisense RNA 1; plus strand). Cytogenetic location: 11p11.2.
Variant type: single nucleotide variant.
Coding change: c.5669A>G on transcript NM_002334.4 (MANE Select); coding-DNA position 5669, A replaced by G.
Protein change: p.Asp1890Gly; replaces aspartic acid 1890 with glycine.
Molecular consequence: missense variant.
Genome position (GRCh38, 1-based): chr11:46,859,032, T>C on the plus strand (A>G on the coding strand, the complement: LRP4 is on the minus strand). VCF-style: chr11-46859032-T-C. GRCh37 (hg19) VCF-style: chr11-46880583-T-C.
Other names: short protein forms D1890G.
Identifiers: ClinVar variation 659389 (VCV000659389.8), dbSNP rs749482785, ClinGen allele CA5968967.